The following is an entry in ClinVar:

ClinVar aggregate classification (germline): Uncertain significance (1 of 4 stars; one submission).

Submission:

GeneDx
Classification: Uncertain significance. Last evaluated: 2026-03-20. Review status: criteria provided, single submitter. Criteria: GeneDx Variant Classification Process June 2021. Collection method: clinical testing. Allele origin: germline.
Comment: Not observed at significant frequency in large population cohorts (gnomAD); In silico analysis suggests that this missense variant does not alter protein structure/function; Has not been previously published as pathogenic or benign to our knowledge

NM_173689.7(CRB2):c.2623C>T (p.Arg875Cys)

Gene: CRB2 (crumbs cell polarity complex component 2; plus strand). Cytogenetic location: 9q33.3.
Variant type: single nucleotide variant.
Coding change: c.2623C>T on transcript NM_173689.7 (MANE Select); coding-DNA position 2623, C replaced by T.
Protein change: p.Arg875Cys; replaces arginine 875 with cysteine.
Molecular consequence: missense variant. On other transcripts: non-coding transcript variant (1).
Genome position (GRCh38, 1-based): chr9:123,373,154, C>T. VCF-style: chr9-123373154-C-T. GRCh37 (hg19) VCF-style: chr9-126135433-C-T.
Other names: short protein forms R875C.
Identifiers: ClinVar variation 5009235 (VCV005009235.1).